The following is an entry in ClinVar:

NM_001122955.4(BSCL2):c.1005+3C>T

Genes: BSCL2 (BSCL2 lipid droplet biogenesis associated, seipin; minus strand), HNRNPUL2-BSCL2 (HNRNPUL2-BSCL2 readthrough (NMD candidate); minus strand). Cytogenetic location: 11q12.3.
Variant type: single nucleotide variant.
Coding change: c.1005+3C>T on transcript NM_001122955.4 (MANE Select); 3 bases into the intron after coding-DNA position 1005, C replaced by T.
Molecular consequence: intron variant.
Genome position (GRCh38, 1-based): chr11:62,691,277, G>A on the plus strand (C>T on the coding strand, the complement: BSCL2 is on the minus strand). VCF-style: chr11-62691277-G-A. GRCh37 (hg19) VCF-style: chr11-62458749-G-A.
Other names: c.672-136C>T (NM_001130702.2); c.813+3C>T (NM_032667.6); c.1005+3C>T (NM_001386028.1, NM_001386027.1).
Identifiers: ClinVar variation 946493 (VCV000946493.11), dbSNP rs372166360, ClinGen allele CA6053386.

ClinVar aggregate classification (germline): Uncertain significance. Review status: criteria provided, multiple submitters, no conflicts (2 of 4 stars). 3 submissions from 3 submitters: Uncertain significance (3). Last evaluated 2025-01-23.

Conditions:
Inborn genetic diseases. Identifiers: MedGen C0950123, MeSH D030342.
Charcot-Marie-Tooth disease type 2. Also called: Charcot-Marie-Tooth type 2. Identifiers: Orphanet 64746, MedGen C0270914, MONDO:0018993.
Congenital generalized lipodystrophy type 2 (CGL2). Also called: BERARDINELLI SYNDROME; BRUNZELL SYNDROME, BSCL2-RELATED; SEIP SYNDROME; Berardinelli-Seip Congenital Lipodystrophy Type 2. Identifiers: Orphanet 528, Orphanet 696289, MedGen C1720863, MONDO:0010020, OMIM 269700.
Severe neurodegenerative syndrome with lipodystrophy. Also called: ENCEPHALOPATHY, PROGRESSIVE, WITH LIPODYSTROPHY; Encephalopathy, progressive, with or without lipodystrophy. Identifiers: Orphanet 363400, MedGen C4014700, MONDO:0014402, OMIM 615924.
Neuronopathy, distal hereditary motor, type 5C. Also called: DHMN VC; NEURONOPATHY, DISTAL HEREDITARY MOTOR, HARDING TYPE VC; NEUROPATHY, DISTAL HEREDITARY MOTOR, HARDING TYPE VC; SPINAL MUSCULAR ATROPHY, DISTAL, HARDING TYPE VC; NEURONOPATHY, DISTAL HEREDITARY MOTOR, AUTOSOMAL DOMINANT 13. Identifiers: MedGen C5436838, MONDO:0030860, OMIM 619112.
Hereditary spastic paraplegia 17. Also called: Silver spastic paraplegia syndrome; Spastic Paraplegia 17; Autosomal dominant spastic paraplegia type 17; Silver Syndrome; SPASTIC PARAPLEGIA WITH AMYOTROPHY OF HANDS AND FEET. Identifiers: Orphanet 100998, MedGen C2931276, MONDO:0010043, OMIM 270685.

Allele frequency attached by ClinVar (database versions not stated): TOPMed 0.00002; ESP Exome Variant Server 0.00008.
gnomAD v4.1: 48 of 1,614,044 alleles (0.003%); highest among the groups gnomAD compares: Non-Finnish European, 0.0036%; no homozygotes.

Submissions (3):

Labcorp Genetics (formerly Invitae), Labcorp
Classification: Uncertain significance for Charcot-Marie-Tooth disease type 2. Last evaluated: 2025-01-23. Review status: criteria provided, single submitter. Criteria: Invitae Variant Classification Sherloc (09022015). Collection method: clinical testing. Allele origin: germline.
Comment: This sequence change falls in intron 7 of the BSCL2 gene. It does not directly change the encoded amino acid sequence of the BSCL2 protein. It affects a nucleotide within the consensus splice site. This variant is present in population databases (rs372166360, gnomAD 0.007%). This variant has not been reported in the literature in individuals affected with BSCL2-related conditions. ClinVar contains an entry for this variant (Variation ID: 946493). Variants that disrupt the consensus splice site are a relatively common cause of aberrant splicing (PMID: 17576681, 9536098). Algorithms developed to predict the effect of sequence changes on RNA splicing suggest that this variant is not likely to affect RNA splicing. In summary, the available evidence is currently insufficient to determine the role of this variant in disease. Therefore, it has been classified as a Variant of Uncertain Significance.

Fulgent Genetics
Classification: Uncertain significance for Congenital generalized lipodystrophy type 2; Hereditary spastic paraplegia 17; Severe neurodegenerative syndrome with lipodystrophy; Neuronopathy, distal hereditary motor, type 5C. Last evaluated: 2024-04-28. Review status: criteria provided, single submitter. Criteria: ACMG Guidelines, 2015. Collection method: clinical testing. Allele origin: germline.

Ambry Genetics
Classification: Uncertain significance for Inborn genetic diseases. Last evaluated: 2023-12-27. Review status: criteria provided, single submitter. Criteria: Ambry Variant Classification Scheme 2023. Collection method: clinical testing. Allele origin: germline.
Comment: The c.813+3C>T intronic alteration consists of a C to T substitution nucleotides after coding exon 6 in the BSCL2 gene. Based on insufficient or conflicting evidence, the clinical significance of this alteration remains unclear.

Literature cited by the submitters: PubMed 17576681 (cited by Labcorp Genetics (formerly Invitae), Labcorp); PubMed 9536098 (cited by Labcorp Genetics (formerly Invitae), Labcorp).